The following is an entry in ClinVar:

ClinVar aggregate classification (germline): Benign/Likely benign. Review status: criteria provided, multiple submitters, no conflicts (2 of 4 stars). 3 submissions from 3 submitters: Benign (2); Likely benign (1). Last evaluated 2026-02-01.

Conditions:
Primary ciliary dyskinesia. Also called: Ciliary dyskinesia. Identifiers: Orphanet 244, MedGen C0008780, MONDO:0016575, HP:0012265.

Allele frequency attached by ClinVar (database versions not stated): gnomAD 0.00549 and 0.00530; gnomAD exomes 0.00611 and 0.00629; ExAC 0.00618; 1000 Genomes Project 0.00200; 1000 Genomes Project 30x 0.00234; TOPMed 0.00478; ESP Exome Variant Server 0.00515.
gnomAD v4.1: 9,827 of 1,575,248 alleles (0.62%); highest among the groups gnomAD compares: Non-Finnish European, 0.64%; 51 homozygotes.

Submissions (3):

Labcorp Genetics (formerly Invitae), Labcorp
Classification: Benign for Primary ciliary dyskinesia. Last evaluated: 2026-02-01. Review status: criteria provided, single submitter. Criteria: Invitae Variant Classification Sherloc (09022015). Collection method: clinical testing. Allele origin: germline.

Mayo Clinic Laboratories, Mayo Clinic
Classification: Benign. Last evaluated: 2024-12-05. Review status: criteria provided, single submitter. Criteria: ACMG Guidelines, 2015. Collection method: clinical testing. Allele origin: germline. Observed: 3 variant alleles.
Comment: BS1, BS2

CeGaT Center for Human Genetics Tuebingen
Classification: Likely benign. Last evaluated: 2024-10-01. Review status: criteria provided, single submitter. Criteria: CeGaT Center For Human Genetics Tuebingen Variant Classification Criteria Version 2. Collection method: clinical testing. Allele origin: germline. Affected: yes. Observed: 3 variant alleles.
Comment: DNAH8: BS2

NM_001206927.2(DNAH8):c.4084-4G>T

Gene: DNAH8 (dynein axonemal heavy chain 8; plus strand). Cytogenetic location: 6p21.2.
Variant type: single nucleotide variant.
Coding change: c.4084-4G>T on transcript NM_001206927.2 (MANE Select); 4 bases into the intron before coding-DNA position 4084, G replaced by T.
Molecular consequence: intron variant.
Genome position (GRCh38, 1-based): chr6:38,828,180, G>T. VCF-style: chr6-38828180-G-T. GRCh37 (hg19) VCF-style: chr6-38795956-G-T.
Other names: p.?; c.3433-4G>T (NM_001371.4).
Identifiers: ClinVar variation 238645 (VCV000238645.47), dbSNP rs61748602, ClinGen allele CA3789029.